The following is an entry in ClinVar:

ClinVar aggregate classification (germline): Uncertain significance (1 of 4 stars; one submission).

Submission:

GeneDx
Classification: Uncertain significance. Last evaluated: 2025-10-29. Review status: criteria provided, single submitter. Criteria: GeneDx Variant Classification Process June 2021. Collection method: clinical testing. Allele origin: germline.
Comment: Not observed at significant frequency in large population cohorts (gnomAD); In silico analysis suggests that this missense variant does not alter protein structure/function; Has not been previously published as pathogenic or benign to our knowledge

NM_000264.5(PTCH1):c.3241G>T (p.Val1081Leu)

Gene: PTCH1 (patched 1; minus strand). Cytogenetic location: 9q22.32.
Variant type: single nucleotide variant.
Coding change: c.3241G>T on transcript NM_000264.5 (MANE Select); coding-DNA position 3241, G replaced by T.
Protein change: p.Val1081Leu; replaces valine 1081 with leucine.
Molecular consequence: missense variant. On other transcripts: non-coding transcript variant (1).
Genome position (GRCh38, 1-based): chr9:95,456,341, C>A on the plus strand (G>T on the coding strand, the complement: PTCH1 is on the minus strand). VCF-style: chr9-95456341-C-A. GRCh37 (hg19) VCF-style: chr9-98218623-C-A.
Other names: c.3043G>T, p.Val1015Leu (NM_001083602.3); c.3238G>T, p.Val1080Leu (NM_001083603.3); c.2788G>T, p.Val930Leu (NM_001083604.3, NM_001083605.3, NM_001083606.3 and 1 more transcripts); c.3085G>T, p.Val1029Leu (NM_001354918.2); short protein forms V1015L, V1029L, V1080L, V1081L, V930L.
Identifiers: ClinVar variation 3774153 (VCV003774153.2).
Genomic context (GRCh38, chr9:95,456,341, plus strand): 5'-CAACGTGAACGGTGAACTCCACTCCTATGCCAACAGAAGCGATCAGGATGACCACGGGCA[C>A]GGCACTGAGCTTGATTCCGATGAGGCCCATCATGCCGAACAGCTCGACCGTCATCAGCGC-3'
Protein context (NP_000255.2, residues 1071-1091): MGLIGIKLSA[Val1081Leu]PVVILIASVG